The following is an entry in ClinVar:

NM_018706.7(DHTKD1):c.2758TGA[2] (p.Ter920=)

Gene: DHTKD1 (dehydrogenase E1 and transketolase domain containing 1; plus strand). Cytogenetic location: 10p14.
Variant type: Microsatellite.
Coding change: c.2758TGA[2] on transcript NM_018706.7 (MANE Select); two copies in a row of the 3-base unit TGA starting at c.2758; the reference has three copies in a row; one copy, 3 bases deleted.
Protein change: p.Ter920=.
Molecular consequence: no sequence alteration.
Genome position (GRCh38, 1-based): chr10:12,120,892-12,120,894, TGA deleted; deleting any 3 consecutive bases within chr10:12,120,886-12,120,894 gives the same sequence; the position shown is the placement nearest the transcript's 3' end. VCF-style (leftmost placement, unchanged base first): chr10-12120885-TTGA-T. GRCh37 (hg19) VCF-style: chr10-12162884-TTGA-T.
Identifiers: ClinVar variation 4700893 (VCV004700893.1).

ClinVar aggregate classification (germline): Uncertain significance (1 of 4 stars; one submission).

Conditions:
2-aminoadipic 2-oxoadipic aciduria (AAKAD). Also called: ALPHA-AMINOADIPIC AND ALPHA-KETOADIPIC ACIDURIA; Aminoadipic aciduria. Identifiers: Orphanet 79154, MedGen C1859817, MONDO:0008774, OMIM 204750.

Submission:

Labcorp Genetics (formerly Invitae), Labcorp
Classification: Uncertain significance for 2-aminoadipic 2-oxoadipic aciduria. Last evaluated: 2025-11-01. Review status: criteria provided, single submitter. Criteria: Invitae Variant Classification Sherloc (09022015). Collection method: clinical testing. Allele origin: germline.
Comment: This variant occurs in a non-coding region of the DHTKD1 gene. It does not change the encoded amino acid sequence of the DHTKD1 protein. This variant is not present in population databases (gnomAD no frequency). This variant has not been reported in the literature in individuals affected with DHTKD1-related conditions. In summary, the available evidence is currently insufficient to determine the role of this variant in disease. Therefore, it has been classified as a Variant of Uncertain Significance.